The following is an entry in ClinVar:

ClinVar aggregate classification (germline): Uncertain significance (1 of 4 stars; one submission).

Conditions:
Early-infantile DEE. Also called: Early infantile epileptic encephalopathy; Ohtahara syndrome; Early infantile epileptic encephalopathy with suppression bursts. Identifiers: Orphanet 1934, MedGen C0393706, MONDO:0800491.

Allele frequency attached by ClinVar (database versions not stated): ExAC 0.00001.
gnomAD v4.1: 2 of 1,613,416 alleles (0.00012%); highest among the groups gnomAD compares: Non-Finnish European, 0.00017%; no homozygotes.

Submission:

Labcorp Genetics (formerly Invitae), Labcorp
Classification: Uncertain significance for Early-infantile DEE. Last evaluated: 2022-07-13. Review status: criteria provided, single submitter. Criteria: Invitae Variant Classification Sherloc (09022015). Collection method: clinical testing. Allele origin: germline.
Comment: This sequence change replaces glutamic acid, which is acidic and polar, with lysine, which is basic and polar, at codon 1995 of the SCN1A protein (p.Glu1995Lys). This variant is present in population databases (rs758461482, gnomAD 0.002%). This variant has not been reported in the literature in individuals affected with SCN1A-related conditions. Algorithms developed to predict the effect of missense changes on protein structure and function are either unavailable or do not agree on the potential impact of this missense change (SIFT: "Tolerated"; PolyPhen-2: "Possibly Damaging"; Align-GVGD: "Class C15"). In summary, the available evidence is currently insufficient to determine the role of this variant in disease. Therefore, it has been classified as a Variant of Uncertain Significance.

NM_001165963.4(SCN1A):c.5983G>A (p.Glu1995Lys)

Genes: SCN1A (sodium voltage-gated channel alpha subunit 1; minus strand), LOC102724058 (uncharacterized LOC102724058; plus strand). Cytogenetic location: 2q24.3.
Variant type: single nucleotide variant.
Coding change: c.5983G>A on transcript NM_001165963.4 (MANE Select); coding-DNA position 5983, G replaced by A.
Protein change: p.Glu1995Lys; replaces glutamic acid 1995 with lysine.
Molecular consequence: missense variant. On other transcripts: non-coding transcript variant (1).
Genome position (GRCh38, 1-based): chr2:165,991,292, C>T on the plus strand (G>A on the coding strand, the complement: SCN1A is on the minus strand). VCF-style: chr2-165991292-C-T. GRCh37 (hg19) VCF-style: chr2-166847802-C-T.
Other names: c.5947G>A, p.Glu1983Lys (NM_001353954.2, NM_001353955.2); c.5899G>A, p.Glu1967Lys (NM_001353957.2, NM_001353958.2, NM_001165964.3); c.5896G>A, p.Glu1966Lys (NM_001353960.2); c.3541G>A, p.Glu1181Lys (NM_001353961.2); c.5950G>A, p.Glu1984Lys (NM_006920.6, NM_001353949.2, NM_001353950.2 and 2 more transcripts); c.5983G>A, p.Glu1995Lys (NM_001202435.3, NM_001353948.2); short protein forms E1967K, E1181K, E1995K, E1966K, E1983K, E1984K.
Identifiers: ClinVar variation 2016406 (VCV002016406.4), dbSNP rs758461482, ClinGen allele CA1942618.